The following is an entry in ClinVar:

NM_000540.3(RYR1):c.14915C>T (p.Thr4972Ile)

Gene: RYR1 (ryanodine receptor 1; plus strand). Cytogenetic location: 19q13.2.
Variant type: single nucleotide variant.
Coding change: c.14915C>T on transcript NM_000540.3 (MANE Select); coding-DNA position 14915, C replaced by T.
Protein change: p.Thr4972Ile; replaces threonine 4972 with isoleucine.
Molecular consequence: missense variant.
Genome position (GRCh38, 1-based): chr19:38,586,137, C>T. VCF-style: chr19-38586137-C-T. GRCh37 (hg19) VCF-style: chr19-39076777-C-T.
Other names: c.14900C>T, p.Thr4967Ile (NM_001042723.2); short protein forms T4972I, T4967I.
Identifiers: ClinVar variation 224407 (VCV000224407.16), dbSNP rs199866740, ClinGen allele CA061806.
Genomic context (GRCh38, chr19:38,586,137, plus strand): 5'-CTTGCCACTCACAGACCAAGTGCTTCATCTGTGGAATCGGCAGTGACTACTTTGATACGA[C>T]ACCGCATGGCTTCGAGACTCACACGCTGGAGGAGCACAACCTGGCCAATTACATGTGAGC-3'
Protein context (NP_000531.2, residues 4962-4982): CGIGSDYFDT[Thr4972Ile]PHGFETHTLE

ClinVar aggregate classification (germline): Uncertain significance. Review status: criteria provided, multiple submitters, no conflicts (2 of 4 stars). 8 submissions from 8 submitters: Uncertain significance (8). Last evaluated 2025-04-15.

Conditions:
Congenital multicore myopathy with external ophthalmoplegia (CMYO1B). Also called: MULTIMINICORE DISEASE WITH EXTERNAL OPHTHALMOPLEGIA; Minicore myopathy with external ophthalmoplegia; MULTICORE MYOPATHY; Congenital myopathy 1B, autosomal recessive; Minicore myopathy. Identifiers: Orphanet 598, Orphanet 98905, MedGen C1850674, MONDO:0009712, OMIM 255320, HP:0003789.
Central core myopathy (CMYO1A). Also called: CONGENITAL MYOPATHY 1A, AUTOSOMAL DOMINANT, WITH SUSCEPTIBILITY TO MALIGNANT HYPERTHERMIA; Central core disease; Myopathy, central fibrillar. Identifiers: Orphanet 597, MedGen C5830701, MONDO:0007294, OMIM 117000.
Congenital myopathy with fiber type disproportion. Also called: Congenital fiber-type disproportion myopathy; Congenital fiber-type disproportion. Identifiers: Orphanet 2020, MedGen C0546264, MONDO:0009711. Inheritance: all.
King Denborough syndrome (KDS). Identifiers: MedGen C1840365, MONDO:0020485, OMIM 619542.
Malignant hyperthermia, susceptibility to, 1 (MHS1). Also called: RYR1-Related Malignant Hyperthermia Susceptibility; Anesthesia related hyperthermia; Malignant hyperpyrexia; Fulminating hyperpyrexia; Pharmacogenic myopathy; Malignant hyperthermia suceptibility 1. Identifiers: Orphanet 423, MedGen C2930980, MONDO:0007783, OMIM 145600.
RYR1-related disorder. Also called: RYR1-related condition; RYR1-related disorders. Identifiers: MedGen CN239331.

Allele frequency attached by ClinVar (database versions not stated): gnomAD exomes 0.00002 and 0.00007; TOPMed 0.00003; gnomAD 0.00005 and 0.00006; ExAC 0.00006.
gnomAD v4.1: 44 of 1,614,014 alleles (0.0027%); highest among the groups gnomAD compares: Admixed American, 0.015%; no homozygotes.

Submissions (8):

Revvity Omics, Revvity
Classification: Uncertain significance. Last evaluated: 2025-04-15. Review status: criteria provided, single submitter. Criteria: ACMG Guidelines, 2015. Collection method: clinical testing. Allele origin: germline.

All of Us Research Program, National Institutes of Health
Classification: Uncertain significance for Malignant hyperthermia, susceptibility to, 1. Last evaluated: 2024-08-06. Review status: criteria provided, single submitter. Criteria: ACMG Guidelines, 2015. Collection method: clinical testing. Allele origin: germline. Inheritance: Autosomal dominant inheritance. Observed: 16 variant alleles, 16 heterozygotes.
Comment: This missense variant replaces threonine with isoleucine at codon 4972 of the RYR1 protein. Computational prediction is inconclusive regarding the impact of this variant on protein structure and function (internally defined REVEL score threshold 0.5 < inconclusive < 0.7, PMID: 27666373). To our knowledge, functional studies have not been reported for this variant. This variant has been reported in an individual affected with limb-girdle muscular dystrophy (PMID: 25214167). This variant has been identified in 22/282792 chromosomes in the general population by the Genome Aggregation Database (gnomAD). The available evidence is insufficient to determine the role of this variant in disease conclusively. Therefore, this variant is classified as a Variant of Uncertain Significance.

This study involves interpretation of variants in research participants for the purpose of population health screening. Participant phenotype was not available at the time of variant classification. Additional details can be found in publication PMID: 35346344, PMCID: PMC8962531

Color Diagnostics, LLC DBA Color Health
Classification: Uncertain significance for Malignant hyperthermia, susceptibility to, 1. Last evaluated: 2024-04-03. Review status: criteria provided, single submitter. Criteria: ACMG Guidelines, 2015. Collection method: clinical testing. Allele origin: germline.
Comment: This missense variant replaces threonine with isoleucine at codon 4972 of the RYR1 protein. Computational prediction is inconclusive regarding the impact of this variant on protein structure and function. To our knowledge, functional studies have not been reported for this variant. This variant has been reported in an individual affected with limb-girdle muscular dystrophy (PMID: 25214167). This variant has been identified in 22/282792 chromosomes in the general population by the Genome Aggregation Database (gnomAD). The available evidence is insufficient to determine the role of this variant in disease conclusively. Therefore, this variant is classified as a Variant of Uncertain Significance.

Blueprint Genetics
Classification: Uncertain significance. Last evaluated: 2023-05-04. Review status: criteria provided, single submitter. Criteria: ACMG Guidelines, 2015. Collection method: clinical testing. Allele origin: germline.

Labcorp Genetics (formerly Invitae), Labcorp
Classification: Uncertain significance for RYR1-related disorder. Last evaluated: 2022-06-20. Review status: criteria provided, single submitter. Criteria: Invitae Variant Classification Sherloc (09022015). Collection method: clinical testing. Allele origin: germline.
Comment: This sequence change replaces threonine, which is neutral and polar, with isoleucine, which is neutral and non-polar, at codon 4972 of the RYR1 protein (p.Thr4972Ile). This variant is present in population databases (rs199866740, gnomAD 0.02%). This missense change has been observed in individual(s) with limb-girdle muscular dystrophy (PMID: 25214167). ClinVar contains an entry for this variant (Variation ID: 224407). Advanced modeling of protein sequence and biophysical properties (such as structural, functional, and spatial information, amino acid conservation, physicochemical variation, residue mobility, and thermodynamic stability) performed at Invitae indicates that this missense variant is not expected to disrupt RYR1 protein function. In summary, the available evidence is currently insufficient to determine the role of this variant in disease. Therefore, it has been classified as a Variant of Uncertain Significance.

Fulgent Genetics
Classification: Uncertain significance for Central core myopathy; Malignant hyperthermia, susceptibility to, 1; Congenital myopathy 4A, autosomal dominant; Congenital multicore myopathy with external ophthalmoplegia; King Denborough syndrome. Last evaluated: 2022-02-07. Review status: criteria provided, single submitter. Criteria: ACMG Guidelines, 2015. Collection method: clinical testing. Allele origin: unknown.

GeneDx
Classification: Uncertain significance. Last evaluated: 2021-04-19. Review status: criteria provided, single submitter. Criteria: GeneDx Variant Classification Process June 2021. Collection method: clinical testing. Allele origin: germline. Affected: yes.
Comment: Reported in a patient with limb-girdle muscular dystrophy who also harbors the D4967E variant in the RYR1 gene in the published literature (Savarese et al., 2014); In silico analysis, which includes protein predictors and evolutionary conservation, supports a deleterious effect; This variant is associated with the following publications: (PMID: 25214167)

Biesecker Lab/Clinical Genomics Section, National Institutes of Health
Classification: Uncertain significance for Malignant hyperthermia, susceptibility to, 1. Last evaluated: 2013-07-01. Review status: criteria provided, single submitter. Criteria: Gonsalves et al. 2013. Collection method: research. Allele origin: unknown. Observed: 1 variant allele. Study: ClinSeq.
Comment: The study set was not selected for affection status in relation to any myopathy. Pathogenicity categories were based on literature curation. See Pubmed ID: 24195946 for details.

Literature cited by the submitters: PubMed 25214167 (cited by 3 submitters).